The following is an entry in ClinVar:

NM_002693.3(POLG):c.125G>A (p.Arg42Gln)

Genes: POLG (DNA polymerase gamma, catalytic subunit; minus strand), POLGARF (POLG alternative reading frame; minus strand). Cytogenetic location: 15q26.1.
Variant type: single nucleotide variant.
Coding change: c.125G>A on transcript NM_002693.3 (MANE Select); coding-DNA position 125, G replaced by A.
Protein change: p.Arg42Gln; replaces arginine 42 with glutamine.
Molecular consequence: missense variant.
Genome position (GRCh38, 1-based): chr15:89,333,630, C>T on the plus strand (G>A on the coding strand, the complement: POLG is on the minus strand). VCF-style: chr15-89333630-C-T. GRCh37 (hg19) VCF-style: chr15-89876861-C-T.
Other names: c.125G>A, p.Arg42Gln (NM_001126131.2); short protein forms R42Q.
Identifiers: ClinVar variation 206476 (VCV000206476.19), dbSNP rs74382477, ClinGen allele CA316606.

ClinVar aggregate classification (germline): Conflicting classifications of pathogenicity. Review status: criteria provided, conflicting classifications (1 of 4 stars). 5 submissions from 5 submitters: Uncertain significance (3); Likely benign (1). 1 of the submissions does not count toward it. Last evaluated 2025-09-10.

Conditions:
POLG-related disorder. Also called: POLG-related condition; POLG-Related Disorders; POLG-Related Spectrum Disorders. Identifiers: MedGen C4763519.
Hereditary spastic paraplegia. Also called: Familial spastic paraparesis. Identifiers: Orphanet 685, MedGen C0037773, MONDO:0019064. Disease mechanism: loss of function.
Progressive sclerosing poliodystrophy (MTDPS4A). Also called: ALPERS DIFFUSE DEGENERATION OF CEREBRAL GRAY MATTER WITH HEPATIC CIRRHOSIS; Alpers-Huttenlocher Syndrome; ALPERS PROGRESSIVE INFANTILE POLIODYSTROPHY; NEURONAL DEGENERATION OF CHILDHOOD WITH LIVER DISEASE, PROGRESSIVE; Mitochondrial DNA Depletion Syndrome 4A; Alpers-Huttenlocher Syndrome (AHS). Identifiers: Orphanet 726, MedGen C0205710, MONDO:0008758, OMIM 203700.

Allele frequency attached by ClinVar (database versions not stated): gnomAD 0.00005; gnomAD exomes 0.00013; ExAC 0.00029.
gnomAD v4.1: 47 of 1,423,618 alleles (0.0033%); highest among the groups gnomAD compares: Admixed American, 0.013%; no homozygotes.

Submissions (5):

Labcorp Genetics (formerly Invitae), Labcorp
Classification: Uncertain significance for Progressive sclerosing poliodystrophy. Last evaluated: 2025-09-10. Review status: criteria provided, single submitter. Criteria: Invitae Variant Classification Sherloc (09022015). Collection method: clinical testing. Allele origin: germline.
Comment: This sequence change replaces arginine, which is basic and polar, with glutamine, which is neutral and polar, at codon 42 of the POLG protein (p.Arg42Gln). The frequency data for this variant in the population databases is considered unreliable, as metrics indicate poor data quality at this position in the gnomAD database. This variant has not been reported in the literature in individuals affected with POLG-related conditions. ClinVar contains an entry for this variant (Variation ID: 206476). Invitae Evidence Modeling of protein sequence and biophysical properties (such as structural, functional, and spatial information, amino acid conservation, physicochemical variation, residue mobility, and thermodynamic stability) indicates that this missense variant is not expected to disrupt POLG protein function with a negative predictive value of 95%. In summary, the available evidence is currently insufficient to determine the role of this variant in disease. Therefore, it has been classified as a Variant of Uncertain Significance.

PreventionGenetics, part of Exact Sciences
Classification: Uncertain significance for POLG-related condition. Last evaluated: 2023-10-10. Review status: criteria provided, single submitter. Criteria: ACMG Guidelines, 2015. Collection method: clinical testing. Allele origin: germline.
Comment: The POLG c.125G>A variant is predicted to result in the amino acid substitution p.Arg42Gln. To our knowledge, this variant has not been reported in the literature. This variant is reported in 0.036% of alleles in individuals of African descent in gnomAD. At this time, the clinical significance of this variant is uncertain due to the absence of conclusive functional and genetic evidence.

GeneDx
Classification: Likely benign. Last evaluated: 2021-01-02. Review status: criteria provided, single submitter. Criteria: GeneDx Variant Classification Process June 2021. Collection method: clinical testing. Allele origin: germline. Affected: yes.
Comment: This variant is associated with the following publications: (PMID: 25850945)

Genome Diagnostics Laboratory, The Hospital for Sick Children
Classification: Uncertain significance for Hereditary spastic paraplegia. Last evaluated: 2016-12-12. Review status: criteria provided, single submitter. Criteria: ACMG Guidelines, 2015. Collection method: clinical testing. Allele origin: germline. Affected: yes.

Mayo Clinic Laboratories, Mayo Clinic
Classification: Likely benign. Last evaluated: 2016-02-29. Review status: no assertion criteria provided. Collection method: clinical testing. Allele origin: unknown. Not counted in ClinVar's aggregate classification.